The following is an entry in ClinVar:

ClinVar aggregate classification (germline): Conflicting classifications of pathogenicity. Review status: criteria provided, conflicting classifications (1 of 4 stars). 2 submissions from 2 submitters: Pathogenic (1); Uncertain significance (1). Last evaluated 2022-02-21.

Conditions:
Autosomal dominant hypocalcemia 1 (HYPOC1). Also called: HYPOCALCEMIA, FAMILIAL. Identifiers: MedGen C3715128, MONDO:0011013, OMIM 601198.
Familial hypocalciuric hypercalcemia (FHH). Also called: Familial benign hypercalcemia. Identifiers: Orphanet 405, MedGen C1809471, MONDO:0018458.

Submissions (2):

Labcorp Genetics (formerly Invitae), Labcorp
Classification: Uncertain significance for Familial hypocalciuric hypercalcemia; Autosomal dominant hypocalcemia 1. Last evaluated: 2022-02-21. Review status: criteria provided, single submitter. Criteria: Invitae Variant Classification Sherloc (09022015). Collection method: clinical testing. Allele origin: germline.
Comment: In summary, the available evidence is currently insufficient to determine the role of this variant in disease. Therefore, it has been classified as a Variant of Uncertain Significance. Algorithms developed to predict the effect of missense changes on protein structure and function (SIFT, PolyPhen-2, Align-GVGD) all suggest that this variant is likely to be disruptive. ClinVar contains an entry for this variant (Variation ID: 975963). This missense change has been observed in individual(s) with autosomal dominant hypocalcemia with hypercalciuria (PMID: 16128246, 21441391). This variant is not present in population databases (gnomAD no frequency). This sequence change replaces cysteine, which is neutral and slightly polar, with tyrosine, which is neutral and polar, at codon 129 of the CASR protein (p.Cys129Tyr).

Institute of Human Genetics, University of Leipzig Medical Center
Classification: Pathogenic for Autosomal dominant hypocalcemia 1. Last evaluated: 2018-05-07. Review status: criteria provided, single submitter. Criteria: ACMG Guidelines, 2015. Collection method: clinical testing. Allele origin: de novo. Affected: yes. Observed: 1 variant allele.
Comment: This variant was identified as de novo (maternity and paternity confirmed).

Literature cited by the submitters: PubMed 16128246 (cited by Labcorp Genetics (formerly Invitae), Labcorp); PubMed 21441391 (cited by Labcorp Genetics (formerly Invitae), Labcorp).

NM_000388.4(CASR):c.386G>A (p.Cys129Tyr)

Gene: CASR (calcium sensing receptor; plus strand). Cytogenetic location: 3q21.1.
Variant type: single nucleotide variant.
Coding change: c.386G>A on transcript NM_000388.4 (MANE Select); coding-DNA position 386, G replaced by A.
Protein change: p.Cys129Tyr; replaces cysteine 129 with tyrosine.
Molecular consequence: missense variant.
Genome position (GRCh38, 1-based): chr3:122,257,281, G>A. VCF-style: chr3-122257281-G-A. GRCh37 (hg19) VCF-style: chr3-121976128-G-A.
Other names: c.386G>A, p.Cys129Tyr (NM_001178065.2); short protein forms C129Y.
Identifiers: ClinVar variation 975963 (VCV000975963.6), dbSNP rs2074565392, ClinGen allele CA354362789.